The following is an entry in ClinVar:

ClinVar aggregate classification (germline): Likely pathogenic (1 of 4 stars; one submission).

Conditions:
Ehlers-Danlos syndrome, classic type, 1 (EDSCL1). Also called: Ehlers-Danlos Syndrome, Classic Type, COL5A1-Related; EHLERS-DANLOS SYNDROME, GRAVIS TYPE; EHLERS-DANLOS SYNDROME, SEVERE CLASSIC TYPE; Ehlers-Danlos syndrome, type 1; EDS I. Identifiers: MedGen C0268335, MONDO:0019567, OMIM 130000.
Osteogenesis imperfecta type I (OI1). Also called: OI, TYPE I; OSTEOGENESIS IMPERFECTA TARDA; OSTEOGENESIS IMPERFECTA WITH BLUE SCLERAE; Osteogenesis imperfecta type 1; Classic Non-deforming Osteogenesis Imperfecta with Blue Sclerae; Lobstein's Disease. Identifiers: Orphanet 216796, Orphanet 666, MedGen C0023931, MONDO:0008146, OMIM 166200. Disease mechanism: loss of function.

Submission:

Labcorp Genetics (formerly Invitae), Labcorp
Classification: Likely pathogenic for Osteogenesis imperfecta type I; Ehlers-Danlos syndrome, classic type, 1. Last evaluated: 2022-09-22. Review status: criteria provided, single submitter. Criteria: Invitae Variant Classification Sherloc (09022015). Collection method: clinical testing. Allele origin: germline.
Comment: This sequence change replaces glycine, which is neutral and non-polar, with alanine, which is neutral and non-polar, at codon 1009 of the COL1A2 protein (p.Gly1009Ala). This variant is not present in population databases (gnomAD no frequency). This variant has not been reported in the literature in individuals affected with COL1A2-related conditions. Advanced modeling of protein sequence and biophysical properties (such as structural, functional, and spatial information, amino acid conservation, physicochemical variation, residue mobility, and thermodynamic stability) performed at Invitae indicates that this missense variant is expected to disrupt COL1A2 protein function. This variant disrupts the triple helix domain of COL1A2. Glycine residues within the Gly-Xaa-Yaa repeats of the triple helix domain are required for the structure and stability of fibrillar collagens (PMID: 7695699, 8218237, 19344236). In COL1A2, variants affecting these glycine residues are significantly enriched in individuals with disease (PMID: 9016532, 17078022) compared to the general population (ExAC). In summary, the currently available evidence indicates that the variant is pathogenic, but additional data are needed to prove that conclusively. Therefore, this variant has been classified as Likely Pathogenic.

Literature cited by the submitters: PubMed 7695699; PubMed 8218237; PubMed 19344236; PubMed 9016532; PubMed 17078022.

NM_000089.4(COL1A2):c.3026G>C (p.Gly1009Ala)

Gene: COL1A2 (collagen type I alpha 2 chain; plus strand). Cytogenetic location: 7q21.3.
Variant type: single nucleotide variant.
Coding change: c.3026G>C on transcript NM_000089.4 (MANE Select); coding-DNA position 3026, G replaced by C.
Protein change: p.Gly1009Ala; replaces glycine 1009 with alanine.
Molecular consequence: missense variant.
Genome position (GRCh38, 1-based): chr7:94,426,451, G>C. VCF-style: chr7-94426451-G-C. GRCh37 (hg19) VCF-style: chr7-94055763-G-C.
Other names: short protein forms G1009A.
Identifiers: ClinVar variation 2130819 (VCV002130819.4), dbSNP rs2484736269, ClinGen allele CA368225116.